The following is an entry in ClinVar:

NM_015474.4(SAMHD1):c.815T>C (p.Ile272Thr)

Gene: SAMHD1 (SAM and HD domain containing deoxynucleoside triphosphate triphosphohydrolase 1; minus strand). Cytogenetic location: 20q11.23.
Variant type: single nucleotide variant.
Coding change: c.815T>C on transcript NM_015474.4 (MANE Select); coding-DNA position 815, T replaced by C.
Protein change: p.Ile272Thr; replaces isoleucine 272 with threonine.
Molecular consequence: missense variant.
Genome position (GRCh38, 1-based): chr20:36,919,401, A>G on the plus strand (T>C on the coding strand, the complement: SAMHD1 is on the minus strand). VCF-style: chr20-36919401-A-G. GRCh37 (hg19) VCF-style: chr20-35547804-A-G.
Other names: c.815T>C, p.Ile272Thr (NM_001363729.2, NM_001363733.2); short protein forms I272T.
Identifiers: ClinVar variation 1935269 (VCV001935269.3), dbSNP rs1219504717, ClinGen allele CA408846192.

ClinVar aggregate classification (germline): Uncertain significance (1 of 4 stars; one submission).

Conditions:
Aicardi-Goutieres syndrome 5. Identifiers: Orphanet 51, MedGen C2749659, MONDO:0013059, OMIM 612952.

Allele frequency attached by ClinVar (database versions not stated): gnomAD 0.00001.
gnomAD v4.1: 1 of 1,613,538 alleles (0.000062%); highest among the groups gnomAD compares: Non-Finnish European, 0.000085%; no homozygotes.

Submission:

Labcorp Genetics (formerly Invitae), Labcorp
Classification: Uncertain significance for Aicardi-Goutieres syndrome 5. Last evaluated: 2022-07-19. Review status: criteria provided, single submitter. Criteria: Invitae Variant Classification Sherloc (09022015). Collection method: clinical testing. Allele origin: germline.
Comment: This sequence change replaces isoleucine, which is neutral and non-polar, with threonine, which is neutral and polar, at codon 272 of the SAMHD1 protein (p.Ile272Thr). This variant is present in population databases (no rsID available, gnomAD 0.007%). This variant has not been reported in the literature in individuals affected with SAMHD1-related conditions. Algorithms developed to predict the effect of missense changes on protein structure and function (SIFT, PolyPhen-2, Align-GVGD) all suggest that this variant is likely to be disruptive. In summary, the available evidence is currently insufficient to determine the role of this variant in disease. Therefore, it has been classified as a Variant of Uncertain Significance.